The following is an entry in ClinVar:

ClinVar aggregate classification (germline): Uncertain significance. Review status: criteria provided, multiple submitters, no conflicts (2 of 4 stars). 2 submissions from 2 submitters: Uncertain significance (2). Last evaluated 2024-12-06.

Conditions:
Inborn genetic diseases. Identifiers: MedGen C0950123, MeSH D030342.

gnomAD v4.1: 1 of 1,466,556 alleles (0.000068%); highest among the groups gnomAD compares: Non-Finnish European, 0.00009%; no homozygotes.

Submissions (2):

Ambry Genetics
Classification: Uncertain significance for Inborn genetic diseases. Last evaluated: 2024-12-06. Review status: criteria provided, single submitter. Criteria: Ambry Variant Classification Scheme 2023. Collection method: clinical testing. Allele origin: germline.

Labcorp Genetics (formerly Invitae), Labcorp
Classification: Uncertain significance. Last evaluated: 2023-11-06. Review status: criteria provided, single submitter. Criteria: Invitae Variant Classification Sherloc (09022015). Collection method: clinical testing. Allele origin: germline.
Comment: This sequence change replaces alanine, which is neutral and non-polar, with threonine, which is neutral and polar, at codon 173 of the MNX1 protein (p.Ala173Thr). The frequency data for this variant in the population databases is considered unreliable, as metrics indicate poor data quality at this position in the gnomAD database. This variant has not been reported in the literature in individuals affected with MNX1-related conditions. Advanced modeling of protein sequence and biophysical properties (such as structural, functional, and spatial information, amino acid conservation, physicochemical variation, residue mobility, and thermodynamic stability) has been performed at Invitae for this missense variant, however the output from this modeling did not meet the statistical confidence thresholds required to predict the impact of this variant on MNX1 protein function. In summary, the available evidence is currently insufficient to determine the role of this variant in disease. Therefore, it has been classified as a Variant of Uncertain Significance.

NM_005515.4(MNX1):c.517G>A (p.Ala173Thr)

Genes: MNX1 (motor neuron and pancreas homeobox 1; minus strand), LOC129999735 (ATAC-STARR-seq lymphoblastoid silent region 18857; plus strand). Cytogenetic location: 7q36.3.
Variant type: single nucleotide variant.
Coding change: c.517G>A on transcript NM_005515.4 (MANE Select); coding-DNA position 517, G replaced by A.
Protein change: p.Ala173Thr; replaces alanine 173 with threonine.
Molecular consequence: missense variant.
Genome position (GRCh38, 1-based): chr7:157,009,834, C>T on the plus strand (G>A on the coding strand, the complement: MNX1 is on the minus strand). VCF-style: chr7-157009834-C-T. GRCh37 (hg19) VCF-style: chr7-156802528-C-T.
Other names: c.517G>A (NM_005515.3); short protein forms A173T.
Identifiers: ClinVar variation 2798592 (VCV002798592.4), dbSNP rs1227998537, ClinGen allele CA370164393.